The following is an entry in ClinVar:

ClinVar aggregate classification (germline): Likely benign. Review status: criteria provided, multiple submitters, no conflicts (2 of 4 stars). 3 submissions from 3 submitters: Likely benign (2). 1 of the submissions does not count toward it. Last evaluated 2026-01-05.

Conditions:
Inborn genetic diseases. Identifiers: MedGen C0950123, MeSH D030342.
ETV6-related disorder. Also called: ETV6-related condition.

Allele frequency attached by ClinVar (database versions not stated): ExAC 0.00002; TOPMed 0.00003; gnomAD 0.00004; gnomAD exomes 0.00007.
gnomAD v4.1: 106 of 1,613,234 alleles (0.0066%); highest among the groups gnomAD compares: Middle Eastern, 0.033%; no homozygotes.

Submissions (3):

Labcorp Genetics (formerly Invitae), Labcorp
Classification: Likely benign. Last evaluated: 2026-01-05. Review status: criteria provided, single submitter. Criteria: Invitae Variant Classification Sherloc (09022015). Collection method: clinical testing. Allele origin: germline.

Ambry Genetics
Classification: Likely benign for Inborn genetic diseases. Last evaluated: 2024-11-18. Review status: criteria provided, single submitter. Criteria: Ambry Variant Classification Scheme 2023. Collection method: clinical testing. Allele origin: germline.

PreventionGenetics, part of Exact Sciences
Classification: Likely benign for ETV6-related condition. Last evaluated: 2022-02-03. Review status: no assertion criteria provided. Collection method: clinical testing. Allele origin: germline. Not counted in ClinVar's aggregate classification.
Comment: This variant is classified as likely benign based on ACMG/AMP sequence variant interpretation guidelines (Richards et al. 2015 PMID: 25741868, with internal and published modifications).

NM_001987.5(ETV6):c.879C>T (p.Ser293=)

Gene: ETV6 (ETS variant transcription factor 6; plus strand). Cytogenetic location: 12p13.2.
Variant type: single nucleotide variant.
Coding change: c.879C>T on transcript NM_001987.5 (MANE Select); coding-DNA position 879, C replaced by T.
Protein change: p.Ser293=; no amino-acid change (serine 293 retained).
Molecular consequence: synonymous variant.
Genome position (GRCh38, 1-based): chr12:11,869,839, C>T. VCF-style: chr12-11869839-C-T. GRCh37 (hg19) VCF-style: chr12-12022773-C-T.
Other names: c.876C>T, p.Ser292= (NM_001413913.1); c.852C>T, p.Ser284= (NM_001413914.1); c.615C>T, p.Ser205= (NM_001413915.1); c.879C>T, p.Ser293= (NM_001413916.1, NM_001413917.1).
Identifiers: ClinVar variation 1985931 (VCV001985931.7), dbSNP rs767369973, ClinGen allele CA6454350.